The following is an entry in ClinVar:

ClinVar aggregate classification (germline): Likely benign. Review status: criteria provided, multiple submitters, no conflicts (2 of 4 stars). 2 submissions from 2 submitters: Likely benign (2). Last evaluated 2023-09-23.

Conditions:
Hyperammonemia, type III (NAGSD). Also called: Hyperammonemia due to N-acetylglutamate synthase deficiency. Identifiers: Orphanet 927, MedGen C0268543, MONDO:0009377, OMIM 237310.

Allele frequency attached by ClinVar (database versions not stated): ExAC below 0.00001; gnomAD 0.00001; gnomAD exomes 0.00001 and 0.00005; TOPMed 0.00003.
gnomAD v4.1: 64 of 1,560,268 alleles (0.0041%); highest among the groups gnomAD compares: Non-Finnish European, 0.0053%; no homozygotes.

Submissions (2):

Labcorp Genetics (formerly Invitae), Labcorp
Classification: Likely benign for Hyperammonemia, type III. Last evaluated: 2023-09-23. Review status: criteria provided, single submitter. Criteria: Invitae Variant Classification Sherloc (09022015). Collection method: clinical testing. Allele origin: germline.

GeneDx
Classification: Likely benign. Last evaluated: 2017-05-16. Review status: criteria provided, single submitter. Criteria: GeneDx Variant Classification (06012015). Collection method: clinical testing. Allele origin: germline. Affected: yes.
Comment: This variant is considered likely benign or benign based on one or more of the following criteria: it is a conservative change, it occurs at a poorly conserved position in the protein, it is predicted to be benign by multiple in silico algorithms, and/or has population frequency not consistent with disease.

NM_153006.3(NAGS):c.645G>T (p.Val215=)

Gene: NAGS (N-acetylglutamate synthase; plus strand). Cytogenetic location: 17q21.31.
Variant type: single nucleotide variant.
Coding change: c.645G>T on transcript NM_153006.3 (MANE Select); coding-DNA position 645, G replaced by T.
Protein change: p.Val215=; no amino-acid change (valine 215 retained).
Molecular consequence: synonymous variant.
Genome position (GRCh38, 1-based): chr17:44,005,855, G>T. VCF-style: chr17-44005855-G-T. GRCh37 (hg19) VCF-style: chr17-42083223-G-T.
Identifiers: ClinVar variation 509314 (VCV000509314.9), dbSNP rs766418377, ClinGen allele CA8595184.